The following is an entry in ClinVar:

ClinVar aggregate classification (germline): Uncertain significance (1 of 4 stars; one submission).

Conditions:
Familial thoracic aortic aneurysm and aortic dissection (TAAD). Also called: Thoracic aortic aneurysms and dissections. Identifiers: Orphanet 91387, MedGen C4707243, MONDO:0019625.

Submission:

Ambry Genetics
Classification: Uncertain significance for Familial thoracic aortic aneurysm and aortic dissection. Last evaluated: 2026-08-19. Review status: criteria provided, single submitter. Criteria: Ambry Variant Classification Scheme 2023. Collection method: clinical testing. Allele origin: germline.
Comment: The p.K715R variant (also known as c.2144A>G), located in coding exon 15 of the MED12 gene, results from an A to G substitution at nucleotide position 2144. The lysine at codon 715 is replaced by arginine, an amino acid with highly similar properties. This amino acid position is conserved. In addition, this alteration is predicted to be tolerated by in silico analysis. Based on the available evidence, the clinical significance of this variant remains unclear.

NM_005120.3(MED12):c.2144A>G (p.Lys715Arg)

Gene: MED12 (mediator complex subunit 12; plus strand). Cytogenetic location: Xq13.1.
Variant type: single nucleotide variant.
Coding change: c.2144A>G on transcript NM_005120.3 (MANE Select); coding-DNA position 2144, A replaced by G.
Protein change: p.Lys715Arg; replaces lysine 715 with arginine.
Molecular consequence: missense variant.
Genome position (GRCh38, 1-based): chrX:71,125,064, A>G. VCF-style: chrX-71125064-A-G. GRCh37 (hg19) VCF-style: chrX-70344914-A-G.
Other names: short protein forms K715R.
Identifiers: ClinVar variation 3124868 (VCV003124868.2), dbSNP rs2519677812, ClinGen allele CA413511344.